The following is an entry in ClinVar:

ClinVar aggregate classification (germline): Pathogenic. Review status: criteria provided, multiple submitters, no conflicts (2 of 4 stars). 3 submissions from 3 submitters: Pathogenic (3). Last evaluated 2019-07-01.

Conditions:
DICER1-related tumor predisposition. Also called: DICER1 syndrome; DICER1-related pleuropulmonary blastoma cancer predisposition syndrome. Identifiers: Orphanet 284343, MedGen C3839822, MONDO:0100216.
Hereditary cancer-predisposing syndrome. Also called: Tumor predisposition; Hereditary Cancer Syndrome; Neoplastic Syndromes, Hereditary; Hereditary neoplastic syndrome. Identifiers: Orphanet 140162, MedGen C0027672, MeSH D009386, MONDO:0015356.

Submissions (3):

Foulkes Cancer Genetics LDI, Lady Davis Institute for Medical Research
Classification: Pathogenic for Pleuropulmonary blastoma. Last evaluated: 2019-07-01. Review status: criteria provided, single submitter. Criteria: ACMG Guidelines, 2015. Collection method: curation. Allele origin: germline, somatic. Affected: yes. Observed: 6 variant alleles.
Comment: ACMG criteria met: PVS1, PM2, PP4

International Pleuropulmonary Blastoma Registry, Children's Hospitals and Clinics of Minnesota
Classification: Pathogenic for Pleuropulmonary blastoma. Last evaluated: 2014-11-10. Review status: criteria provided, single submitter. Criteria: Hill et al. (Science. 2009). Collection method: clinical testing. Allele origin: germline. Affected: yes. Study: PPB-DICER1 Genetic study.

Ambry Genetics
Classification: Pathogenic for Hereditary cancer-predisposing syndrome. Last evaluated: 2013-04-02. Review status: criteria provided, single submitter. Criteria: Ambry Autosomal Dominant and X-Linked criteria (10/2015). Collection method: clinical testing. Allele origin: germline. Observed: 1 variant allele.
Comment: This alteration is expected to result in loss of function by premature protein truncation or nonsense-mediatedâ€¯mRNAâ€¯decay.â€¯As such, this alteration is interpreted as a disease-causing mutation.

Literature cited by the submitters: PubMed 26925222 (cited by Foulkes Cancer Genetics LDI, Lady Davis Institute for Medical Research and International Pleuropulmonary Blastoma Registry, Children's Hospitals and Clinics of Minnesota); PubMed 26526666 (cited by Foulkes Cancer Genetics LDI, Lady Davis Institute for Medical Research); PubMed 30266945 (cited by Foulkes Cancer Genetics LDI, Lady Davis Institute for Medical Research).

NM_177438.3(DICER1):c.5299del (p.His1767fs)

Gene: DICER1 (dicer 1, ribonuclease III; minus strand). Cytogenetic location: 14q32.13.
Variant type: Deletion.
Coding change: c.5299del on transcript NM_177438.3 (MANE Select); coding-DNA position 5299, one base deleted (C; older notation c.5299delC).
Protein change: p.His1767fs; shifts the reading frame from histidine 1767.
Molecular consequence: frameshift variant.
Genome position (GRCh38, 1-based): chr14:95,093,953, G deleted on the plus strand (C on the coding strand, the reverse complement: DICER1 is on the minus strand); the first of 2 consecutive G bases (chr14:95,093,953-95,093,954); deleting either gives the same sequence. VCF-style (leftmost placement, unchanged base first): chr14-95093952-TG-T. GRCh37 (hg19) VCF-style: chr14-95560289-TG-T.
Other names: c.5299delC (NM_177438.2); c.5299del, p.His1767fs (NM_001195573.1, NM_001271282.3, NM_001291628.2 and 1 more transcripts); short protein forms H1767fs.
Identifiers: ClinVar variation 254348 (VCV000254348.6), dbSNP rs886037727, ClinGen allele CA10586403.